The following is an entry in ClinVar:

NM_004444.5(EPHB4):c.918C>T (p.Val306=)

Gene: EPHB4 (EPH receptor B4; minus strand). Cytogenetic location: 7q22.1.
Variant type: single nucleotide variant.
Coding change: c.918C>T on transcript NM_004444.5 (MANE Select); coding-DNA position 918, C replaced by T.
Protein change: p.Val306=; no amino-acid change (valine 306 retained).
Molecular consequence: synonymous variant.
Genome position (GRCh38, 1-based): chr7:100,820,187, G>A on the plus strand (C>T on the coding strand, the complement: EPHB4 is on the minus strand). VCF-style: chr7-100820187-G-A. GRCh37 (hg19) VCF-style: chr7-100417809-G-A.
Identifiers: ClinVar variation 1576482 (VCV001576482.36), dbSNP rs151161414, ClinGen allele CA4393166.

ClinVar aggregate classification (germline): Benign/Likely benign. Review status: criteria provided, multiple submitters, no conflicts (2 of 4 stars). 5 submissions from 5 submitters: Benign (2); Likely benign (3). Last evaluated 2026-07-14.

Conditions:
EPHB4-related disorder. Also called: EPHB4-related condition; EPHB4-related disorders.
Cardiovascular phenotype. Identifiers: MedGen CN230736.

Allele frequency attached by ClinVar (database versions not stated): ESP Exome Variant Server 0.00015; gnomAD 0.00036 and 0.00066; TOPMed 0.00042; gnomAD exomes 0.00097 and 0.00194; ExAC 0.00208; 1000 Genomes Project 30x 0.00281; 1000 Genomes Project 0.00319.
gnomAD v4.1: 1,568 of 1,614,094 alleles (0.097%); highest among the groups gnomAD compares: South Asian, 1.1%; 15 homozygotes.

Submissions (5):

PreventionGenetics, part of Exact Sciences
Classification: Likely benign for EPHB4-related condition. Last evaluated: 2026-07-14. Review status: criteria provided, single submitter. Criteria: ACMG Guidelines, 2015. Collection method: clinical testing. Allele origin: germline.
Comment: This variant is classified as likely benign based on ACMG/AMP sequence variant interpretation guidelines (Richards et al. 2015 PMID: 25741868, with internal and published modifications).

Labcorp Genetics (formerly Invitae), Labcorp
Classification: Benign. Last evaluated: 2025-11-02. Review status: criteria provided, single submitter. Criteria: Invitae Variant Classification Sherloc (09022015). Collection method: clinical testing. Allele origin: germline.

Blueprint Genetics
Classification: Likely benign. Last evaluated: 2024-11-12. Review status: criteria provided, single submitter. Criteria: ACMG Guidelines, 2015. Collection method: clinical testing. Allele origin: germline.

CeGaT Center for Human Genetics Tuebingen
Classification: Benign. Last evaluated: 2022-04-01. Review status: criteria provided, single submitter. Criteria: CeGaT Center For Human Genetics Tuebingen Variant Classification Criteria Version 2. Collection method: clinical testing. Allele origin: germline. Affected: yes. Observed: 1 variant allele.
Comment: EPHB4: BS1, BS2

Ambry Genetics
Classification: Likely benign for Cardiovascular phenotype. Last evaluated: 2021-04-29. Review status: criteria provided, single submitter. Criteria: Ambry Variant Classification Scheme 2023. Collection method: clinical testing. Allele origin: germline.